The following is an entry in ClinVar:

ClinVar aggregate classification (germline): Likely pathogenic (1 of 4 stars; one submission).

Conditions:
Autosomal recessive nonsyndromic hearing loss 84B. Also called: Deafness, autosomal recessive 84b. Identifiers: Orphanet 90636, MedGen C3554159, MONDO:0013984, OMIM 614944.

Submission:

Women's Health and Genetics/Laboratory Corporation of America, LabCorp
Classification: Likely pathogenic for Autosomal recessive nonsyndromic hearing loss 84B. Last evaluated: 2024-07-25. Review status: criteria provided, single submitter. Criteria: LabCorp Variant Classification Summary - May 2015. Collection method: clinical testing. Allele origin: germline.
Comment: Variant summary: The variant involves the deletion of exons 54-56 and a part of exon 57 in the OTOGL gene (NM_173591.7). A presumed nomenclature of c.(6331+1_6332-1)_6774del has been designated for the purposes of this classification. This Copy Number Variant (CNV) involves a partial deletion of exon 57, spanning a canonical splice-site and therefore predicted to result in loss-of-function. The variant was absent in 120780 control chromosomes in the gnomAD database (Structural Variants v4.1 dataset). To our knowledge, no occurrence of c.(6331+1_6332-1)_6774del in individuals affected with Autosomal Recessive Nonsyndromic Hearing Loss 84B and no experimental evidence demonstrating its impact on protein function have been reported. No submitters have cited clinical-significance assessments for this variant to ClinVar. Based on the evidence outlined above, the variant was classified as likely pathogenic.

NC_000012.11:g.(80760418_80761340)_80765837del

Gene: OTOGL (otogelin like; plus strand). Cytogenetic location: 12q21.31.
Variant type: Deletion.
Identifiers: ClinVar variation 3339333 (VCV003339333.1).